The following is an entry in ClinVar:

ClinVar aggregate classification (germline): Likely benign. Review status: criteria provided, multiple submitters, no conflicts (2 of 4 stars). 2 submissions from 2 submitters: Likely benign (2). Last evaluated 2018-06-14.

Allele frequency attached by ClinVar (database versions not stated): 1000 Genomes Project 0.00879; 1000 Genomes Project 30x 0.00968; TOPMed 0.01425; gnomAD 0.01583 and 0.01604; ESP Exome Variant Server 0.01689; gnomAD exomes 0.02219.
gnomAD v4.1: 31,985 of 1,495,026 alleles (2.1%); highest among the groups gnomAD compares: Non-Finnish European, 2.5%; 365 homozygotes.

Submissions (2):

GeneDx
Classification: Likely benign. Last evaluated: 2018-06-14. Review status: criteria provided, single submitter. Criteria: GeneDx Variant Classification (06012015). Collection method: clinical testing. Allele origin: germline. Affected: yes.
Comment: This variant is considered likely benign or benign based on one or more of the following criteria: it is a conservative change, it occurs at a poorly conserved position in the protein, it is predicted to be benign by multiple in silico algorithms, and/or has population frequency not consistent with disease.

Breakthrough Genomics
Classification: Likely benign. Review status: criteria provided, single submitter. Criteria: ACMG Guidelines, 2015. Collection method: not provided. Allele origin: germline. Inheritance: Autosomal recessive inheritance. Affected: yes.

NM_001849.4(COL6A2):c.999+71A>T

Gene: COL6A2 (collagen type VI alpha 2 chain; plus strand). Cytogenetic location: 21q22.3.
Variant type: single nucleotide variant.
Coding change: c.999+71A>T on transcript NM_001849.4 (MANE Select); 71 bases into the intron after coding-DNA position 999, A replaced by T.
Molecular consequence: intron variant.
Genome position (GRCh38, 1-based): chr21:46,116,885, A>T. VCF-style: chr21-46116885-A-T. GRCh37 (hg19) VCF-style: chr21-47536799-A-T.
Other names: c.999+71A>T (NM_058175.3, NM_058174.3).
Identifiers: ClinVar variation 680218 (VCV000680218.2), dbSNP rs147649367, ClinGen allele CA14865399.